The following is an entry in ClinVar:

NM_020975.6(RET):c.1381A>T (p.Thr461Ser)

Gene: RET (ret proto-oncogene; plus strand). Cytogenetic location: 10q11.21.
Variant type: single nucleotide variant.
Coding change: c.1381A>T on transcript NM_020975.6 (MANE Select); coding-DNA position 1381, A replaced by T.
Protein change: p.Thr461Ser; replaces threonine 461 with serine.
Molecular consequence: missense variant.
Genome position (GRCh38, 1-based): chr10:43,111,324, A>T. VCF-style: chr10-43111324-A-T. GRCh37 (hg19) VCF-style: chr10-43606772-A-T.
Other names: c.1381A>T, p.Thr461Ser (NM_000323.2, NM_001406743.1, NM_001406744.1 and 6 more transcripts); c.619A>T, p.Thr207Ser (NM_001355216.2); c.1252A>T, p.Thr418Ser (NM_001406761.1, NM_001406762.1, NM_001406764.1 and 1 more transcripts); c.1093A>T, p.Thr365Ser (NM_001406766.1, NM_001406767.1, NM_001406770.1); c.985A>T, p.Thr329Ser (NM_001406769.1, NM_001406772.1); c.943A>T, p.Thr315Ser (NM_001406771.1, NM_001406773.1); c.856A>T, p.Thr286Ser (NM_001406774.1); c.655A>T, p.Thr219Ser (NM_001406775.1, NM_001406776.1, NM_001406777.1 and 1 more transcripts); and 1 more; short protein forms T329S, T131S, T219S, T418S, T286S, T365S, T461S, T207S.
Identifiers: ClinVar variation 1771292 (VCV001771292.2), dbSNP rs2132769932, ClinGen allele CA376549310.

ClinVar aggregate classification (germline): Uncertain significance (1 of 4 stars; one submission).

Conditions:
Hereditary cancer-predisposing syndrome. Also called: Hereditary Cancer Syndrome; Hereditary neoplastic syndrome; Neoplastic Syndromes, Hereditary; Tumor predisposition. Identifiers: Orphanet 140162, MedGen C0027672, MeSH D009386, MONDO:0015356.

Submission:

Ambry Genetics
Classification: Uncertain significance for Hereditary cancer-predisposing syndrome. Last evaluated: 2022-03-01. Review status: criteria provided, single submitter. Criteria: Ambry Variant Classification Scheme 2023. Collection method: clinical testing. Allele origin: germline.
Comment: The p.T461S variant (also known as c.1381A>T), located in coding exon 7 of the RET gene, results from an A to T substitution at nucleotide position 1381. The threonine at codon 461 is replaced by serine, an amino acid with similar properties. This amino acid position is conserved. In addition, this alteration is predicted to be tolerated by in silico analysis. Since supporting evidence is limited at this time, the clinical significance of this alteration remains unclear.